The following is an entry in ClinVar:

NM_004656.4(BAP1):c.1182C>T (p.Tyr394=)

Gene: BAP1 (BRCA1 associated deubiquitinase 1; minus strand). Cytogenetic location: 3p21.1.
Variant type: single nucleotide variant.
Coding change: c.1182C>T on transcript NM_004656.4 (MANE Select); coding-DNA position 1182, C replaced by T.
Protein change: p.Tyr394=; no amino-acid change (tyrosine 394 retained).
Molecular consequence: synonymous variant.
Genome position (GRCh38, 1-based): chr3:52,404,521, G>A on the plus strand (C>T on the coding strand, the complement: BAP1 is on the minus strand). VCF-style: chr3-52404521-G-A. GRCh37 (hg19) VCF-style: chr3-52438537-G-A.
Identifiers: ClinVar variation 1131792 (VCV001131792.10), dbSNP rs1364087255, ClinGen allele CA433774011.

ClinVar aggregate classification (germline): Benign/Likely benign. Review status: criteria provided, multiple submitters, no conflicts (2 of 4 stars). 3 submissions from 3 submitters: Benign (1); Likely benign (2). Last evaluated 2024-07-15.

Conditions:
BAP1-related tumor predisposition syndrome (TPDS1). Also called: TUMOR PREDISPOSITION SYNDROME 1; Tumor susceptibility linked to germline BAP1 mutations; BAP1 tumor predisposition syndrome; COMMON Syndrome. Identifiers: Orphanet 289539, MedGen C3280492, MONDO:0013692, OMIM 614327.
Hereditary cancer-predisposing syndrome. Also called: Neoplastic Syndromes, Hereditary; Hereditary Cancer Syndrome; Tumor predisposition; Hereditary neoplastic syndrome. Identifiers: Orphanet 140162, MedGen C0027672, MeSH D009386, MONDO:0015356.

Allele frequency attached by ClinVar (database versions not stated): gnomAD exomes below 0.00001.
gnomAD v4.1: 1 of 1,614,172 alleles (0.000062%); highest among the groups gnomAD compares: Non-Finnish European, 0.000085%; no homozygotes.

Submissions (3):

Myriad Genetics, Inc.
Classification: Benign for BAP1-related tumor predisposition syndrome. Last evaluated: 2024-07-15. Review status: criteria provided, single submitter. Criteria: Myriad Autosomal Dominant, Autosomal Recessive and X-Linked Classification Criteria (2023). Collection method: clinical testing. Allele origin: unknown.
Comment: This variant is considered benign. This variant is a silent/synonymous amino acid change and it is not expected to impact splicing.

Color Diagnostics, LLC DBA Color Health
Classification: Likely benign for Hereditary cancer-predisposing syndrome. Last evaluated: 2021-01-19. Review status: criteria provided, single submitter. Criteria: ACMG Guidelines, 2015. Collection method: clinical testing. Allele origin: germline.

Labcorp Genetics (formerly Invitae), Labcorp
Classification: Likely benign for BAP1-related tumor predisposition syndrome. Last evaluated: 2019-10-09. Review status: criteria provided, single submitter. Criteria: Invitae Variant Classification Sherloc (09022015). Collection method: clinical testing. Allele origin: germline.